The following is an entry in ClinVar:

NM_001077525.3(MTMR14):c.1739G>C (p.Ser580Thr)

Gene: MTMR14 (myotubularin related protein 14; plus strand). Cytogenetic location: 3p25.3.
Variant type: single nucleotide variant.
Coding change: c.1739G>C on transcript NM_001077525.3 (MANE Select); coding-DNA position 1739, G replaced by C.
Protein change: p.Ser580Thr; replaces serine 580 with threonine.
Molecular consequence: missense variant. On other transcripts: non-coding transcript variant (8), intron variant (25).
Genome position (GRCh38, 1-based): chr3:9,697,836, G>C. VCF-style: chr3-9697836-G-C. GRCh37 (hg19) VCF-style: chr3-9739520-G-C.
Other names: c.1022G>C, p.Ser341Thr (NM_001400538.1); c.878G>C, p.Ser293Thr (NM_001400544.1); c.1683-3954G>C (NM_001400521.1); c.1428-3954G>C (NM_001400526.1); c.972-3954G>C (NM_001400542.1, NM_001400541.1, NM_001400539.1 and 2 more transcripts); c.1614-3954G>C (NM_001077526.3); c.1434-3954G>C (NM_022485.5); c.1539-3954G>C (NM_001400523.1); and 19 more; short protein forms S293T, S341T, S366T, S486T, S498T, S555T, S579T, S580T.
Identifiers: ClinVar variation 5020609 (VCV005020609.1).

ClinVar aggregate classification (germline): Uncertain significance (1 of 4 stars; one submission).

gnomAD v4.1: 2 of 1,614,196 alleles (0.00012%); highest among the groups gnomAD compares: Non-Finnish European, 0.00017%; no homozygotes.

Submission:

Dasa
Classification: Uncertain significance. Last evaluated: 2026-05-06. Review status: criteria provided, single submitter. Criteria: DASA Assertion Criteria. Collection method: clinical testing. Allele origin: germline.
Comment: NM_001077525.3(MTMR14):c.1739G>C (p.Ser580Thr) is a missense variant that results in the substitution of serine with threonine. This variant is rare in population databases. The currently available literature and clinical evidence are not sufficient to establish a definitive association between this variant and the reported condition. Therefore, this variant is classified as a variant of uncertain significance.